The following is an entry in ClinVar:

ClinVar aggregate classification (germline): Uncertain significance (1 of 4 stars; one submission).

Conditions:
Hereditary cancer-predisposing syndrome. Also called: Hereditary Cancer Syndrome; Hereditary neoplastic syndrome; Tumor predisposition; Neoplastic Syndromes, Hereditary. Identifiers: Orphanet 140162, MedGen C0027672, MeSH D009386, MONDO:0015356.
Cardiovascular phenotype. Identifiers: MedGen CN230736.

Submission:

Ambry Genetics
Classification: Uncertain significance for Cardiovascular phenotype; Hereditary cancer-predisposing syndrome. Last evaluated: 2024-08-27. Review status: criteria provided, single submitter. Criteria: Ambry Variant Classification Scheme 2023. Collection method: clinical testing. Allele origin: germline.
Comment: The p.P280L variant (also known as c.839C>T), located in coding exon 9 of the LZTR1 gene, results from a C to T substitution at nucleotide position 839. The proline at codon 280 is replaced by leucine, an amino acid with similar properties. This amino acid position is conserved. In addition, this alteration is predicted to be tolerated by in silico analysis. Based on the available evidence, the clinical significance of this variant remains unclear.

NM_006767.4(LZTR1):c.839C>T (p.Pro280Leu)

Gene: LZTR1 (leucine zipper like post translational regulator 1; plus strand). Cytogenetic location: 22q11.21.
Variant type: single nucleotide variant.
Coding change: c.839C>T on transcript NM_006767.4 (MANE Select); coding-DNA position 839, C replaced by T.
Protein change: p.Pro280Leu; replaces proline 280 with leucine.
Molecular consequence: missense variant.
Genome position (GRCh38, 1-based): chr22:20,991,675, C>T. VCF-style: chr22-20991675-C-T. GRCh37 (hg19) VCF-style: chr22-21345964-C-T.
Other names: short protein forms P280L.
Identifiers: ClinVar variation 3541546 (VCV003541546.1).
Genomic context (GRCh38, chr22:20,991,675, plus strand): 5'-TGTGTACCCCCAGGTGGACACGCATCCCAACTGAACACCTGCTCCGGGGCTCCCCACCAC[C>T]CCCGCAGCGGCGCTACGGGCATACCATGGTGGCCTTTGACCGCCACCTCTATGTGTTTGG-3'
Protein context (NP_006758.2, residues 270-290): TEHLLRGSPP[Pro280Leu]PQRRYGHTMV